The following is an entry in ClinVar:

NM_000161.3(GCH1):c.667A>G (p.Ser223Gly)

Gene: GCH1 (GTP cyclohydrolase 1; minus strand). Cytogenetic location: 14q22.2.
Variant type: single nucleotide variant.
Coding change: c.667A>G on transcript NM_000161.3 (MANE Select); coding-DNA position 667, A replaced by G.
Protein change: p.Ser223Gly; replaces serine 223 with glycine.
Molecular consequence: missense variant. On other transcripts: intron variant (3).
Genome position (GRCh38, 1-based): chr14:54,844,103, T>C on the plus strand (A>G on the coding strand, the complement: GCH1 is on the minus strand). VCF-style: chr14-54844103-T-C. GRCh37 (hg19) VCF-style: chr14-55310821-T-C.
Other names: c.667A>G, p.Ser223Gly (NM_001024024.2); c.373A>G, p.Ser125Gly (NM_001424105.1); c.510-1049A>G (NM_001424104.1); c.627-1049A>G (NM_001024071.2); c.627-234A>G (NM_001024070.2); short protein forms S125G, S223G.
Identifiers: ClinVar variation 3767247 (VCV003767247.2).
Genomic context (GRCh38, chr14:54,844,103, plus strand): 5'-CTTCCCGAGTCTTTGGATCCTCCCGGAACACACCCAACATTGTGCTGGTCACAGTTTTGC[T>C]GTTCATTTTCTGTACACCTCGCATTACCATACACATGTGTCTACAAAATAAGGCAACACA-3'
Protein context (NP_000152.1, residues 213-233): MVMRGVQKMN[Ser223Gly]KTVTSTMLGV

ClinVar aggregate classification (germline): Pathogenic (1 of 4 stars; one submission).

Conditions:
GTP cyclohydrolase I deficiency with hyperphenylalaninemia (HPABH4B). Also called: HYPERPHENYLALANINEMIA, BH4-DEFICIENT, B; HYPERPHENYLALANINEMIA, TETRAHYDROBIOPTERIN-DEFICIENT, DUE TO GTP CYCLOHYDROLASE I DEFICIENCY; Hyperphenylalaninemia, tetrahydrobiopterin-deficient, due to GTP cyclohydrolase 1 deficiency. Identifiers: Orphanet 2102, Orphanet 238583, MedGen CN305333, MONDO:0100186, OMIM 233910.

Submission:

Department of Medical Genetics, JSS Medical College, Mysore
Classification: Pathogenic for GTP cyclohydrolase I deficiency with hyperphenylalaninemia. Last evaluated: 2025-01-07. Review status: criteria provided, single submitter. Criteria: ACMG Guidelines, 2015. Collection method: research. Allele origin: germline. Inheritance: Autosomal recessive inheritance. Affected: yes. Observed: 1 homozygote.
Comment: Singleton Whole exome sequencing (WES) performed at an external third party laboratory helped in the identification of a novel homozygous variant, NM_000161.3: c.667A>G p.(Ser223Gly) in GCH1 in both the patients (P1 and P2). Segregation analysis using Sanger sequencing method helped in confirmation of carrier status of this variant in both the unaffected parents and a healthy sibling (Figure 1). An alternate amino acid change at the same codon in GCH1 has been reported previously (Chen et al., 2020; Novelli et al., 2024). The primary clinical findings were in concordance with the genetic diagnosis of autosomal recessive tetrahydrobiopterin (BH4)-deficient hyperphenylalaninemia B (HPABH4B). Hence, according to the above-mentioned evidences, this variant is reported to be pathogenic (criteria: PS1, PM1, PM2, PP1, PP2, PP3 and PP4) according to the ACMG-AMP guidelines (Richards et al., 2015).